The following is an entry in ClinVar:

NM_004655.4(AXIN2):c.2042A>G (p.Gln681Arg)

Gene: AXIN2 (axin 2; minus strand). Cytogenetic location: 17q24.1.
Variant type: single nucleotide variant.
Coding change: c.2042A>G on transcript NM_004655.4 (MANE Select); coding-DNA position 2042, A replaced by G.
Protein change: p.Gln681Arg; replaces glutamine 681 with arginine.
Molecular consequence: missense variant.
Genome position (GRCh38, 1-based): chr17:65,536,419, T>C on the plus strand (A>G on the coding strand, the complement: AXIN2 is on the minus strand). VCF-style: chr17-65536419-T-C. GRCh37 (hg19) VCF-style: chr17-63532537-T-C.
Other names: c.1847A>G, p.Gln616Arg (NM_001363813.1); short protein forms Q616R, Q681R.
Identifiers: ClinVar variation 3814819 (VCV003814819.1).

ClinVar aggregate classification (germline): Uncertain significance (1 of 4 stars; one submission).

Conditions:
Hereditary cancer-predisposing syndrome. Also called: Hereditary neoplastic syndrome; Neoplastic Syndromes, Hereditary; Tumor predisposition; Hereditary Cancer Syndrome. Identifiers: Orphanet 140162, MedGen C0027672, MeSH D009386, MONDO:0015356.

Submission:

Ambry Genetics
Classification: Uncertain significance for Hereditary cancer-predisposing syndrome. Last evaluated: 2025-03-09. Review status: criteria provided, single submitter. Criteria: Ambry Variant Classification Scheme 2023. Collection method: clinical testing. Allele origin: germline.
Comment: The p.Q681R variant (also known as c.2042A>G), located in coding exon 7 of the AXIN2 gene, results from an A to G substitution at nucleotide position 2042. The glutamine at codon 681 is replaced by arginine, an amino acid with highly similar properties. This amino acid position is conserved. In addition, the in silico prediction for this alteration is inconclusive. Based on the available evidence, the clinical significance of this variant remains unclear.